The following is an entry in ClinVar:

ClinVar aggregate classification (germline): Uncertain significance (1 of 4 stars; one submission).

Submission:

Labcorp Genetics (formerly Invitae), Labcorp
Classification: Uncertain significance. Last evaluated: 2026-01-12. Review status: criteria provided, single submitter. Criteria: Invitae Variant Classification Sherloc (09022015). Collection method: clinical testing. Allele origin: germline.
Comment: This variant, c.710_718del, results in the deletion of 3 amino acid(s) of the WNT1 protein (p.Pro237_Leu239del), but otherwise preserves the integrity of the reading frame. This variant is not present in population databases (gnomAD no frequency). This variant has not been reported in the literature in individuals affected with WNT1-related conditions. Experimental studies and prediction algorithms are not available or were not evaluated, and the functional significance of this variant is currently unknown. In summary, the available evidence is currently insufficient to determine the role of this variant in disease. Therefore, it has been classified as a Variant of Uncertain Significance.

NM_005430.4(WNT1):c.710_718del (p.Pro237_Leu239del)

Gene: WNT1 (Wnt family member 1; plus strand). Cytogenetic location: 12q13.12.
Variant type: Deletion.
Coding change: c.710_718del on transcript NM_005430.4 (MANE Select); coding-DNA positions 710 to 718, 9 bases deleted (CCACGCTGC; older notation c.710_718delCCACGCTGC).
Protein change: p.Pro237_Leu239del.
Molecular consequence: inframe deletion.
Genome position (GRCh38, 1-based): chr12:48,981,237-48,981,245, CCACGCTGC deleted; deleting any 9 consecutive bases within chr12:48,981,232-48,981,245 gives the same sequence; the c. name uses the placement nearest the transcript's 3' end. VCF-style (leftmost placement, unchanged base first): chr12-48981231-GGCTGCCCAC-G. GRCh37 (hg19) VCF-style: chr12-49375014-GGCTGCCCAC-G.
Identifiers: ClinVar variation 4735176 (VCV004735176.1).
Genomic context (GRCh38, chr12:48,981,231, plus strand): 5'-GCCAGGAGTGCAAGTGCCACGGGATGTCCGGCTCATGCACGGTGCGCACGTGCTGGATGC[GGCTGCCCAC>G]GCTGCGCGCCGTGGGCGATGTGCTGCGCGACCGCTTCGACGGCGCCTCGCGCGTCCTGTA-3'